The following is an entry in ClinVar:

NM_198239.2(CCN6):c.595A>G (p.Arg199Gly)

Gene: CCN6 (cellular communication network factor 6; plus strand). Cytogenetic location: 6q21.
Variant type: single nucleotide variant.
Coding change: c.595A>G on transcript NM_198239.2 (MANE Select); coding-DNA position 595, A replaced by G.
Protein change: p.Arg199Gly; replaces arginine 199 with glycine.
Molecular consequence: missense variant. On other transcripts: non-coding transcript variant (2).
Genome position (GRCh38, 1-based): chr6:112,068,210, A>G. VCF-style: chr6-112068210-A-G. GRCh37 (hg19) VCF-style: chr6-112389413-A-G.
Other names: c.595A>G, p.Arg199Gly (NM_003880.4); short protein forms R199G.
Identifiers: ClinVar variation 2077551 (VCV002077551.2), dbSNP rs782030270, ClinGen allele CA3964066.
Genomic context (GRCh38, chr6:112,068,210, plus strand): 5'-ATTTATACAAGTACATTTATATGTATACATATGTACTTTTCTCCCTTTGTTTTAGCTTAT[A>G]GAAATCTCCCACTTATTTGGAAAAAAAAATGTCTTGTGCAAGCAACAAAATGGACTCCCT-3'
Protein context (NP_937882.2, residues 189-209): STSYKTMPAY[Arg199Gly]NLPLIWKKKC

ClinVar aggregate classification (germline): Uncertain significance. Review status: criteria provided, multiple submitters, no conflicts (2 of 4 stars). 2 submissions from 2 submitters: Uncertain significance (2). Last evaluated 2025-07-22.

Allele frequency attached by ClinVar (database versions not stated): gnomAD exomes 0.00001; ExAC 0.00003; gnomAD 0.00005; TOPMed 0.00005.
gnomAD v4.1: 19 of 1,610,022 alleles (0.0012%); highest among the groups gnomAD compares: African/African-American, 0.021%; no homozygotes.

Submissions (2):

Women's Health and Genetics/Laboratory Corporation of America, LabCorp
Classification: Uncertain significance. Last evaluated: 2025-07-22. Review status: criteria provided, single submitter. Criteria: LabCorp Variant Classification Summary - May 2015. Collection method: clinical testing. Allele origin: germline.
Comment: Variant summary: CCN6 c.595A>G (p.Arg199Gly) results in a non-conservative amino acid change in the encoded protein sequence. Algorithms developed to predict the effect of missense changes on protein structure and function are either unavailable or do not agree on the potential impact of this missense change. The variant allele was found at a frequency of 1.2e-05 in 1603060 control chromosomes. This frequency is not significantly higher than estimated for a pathogenic variant in CCN6 causing Progressive Pseudorheumatoid Dysplasia (1.2e-05 vs 0.0011), allowing no conclusion about variant significance. To our knowledge, no occurrence of c.595A>G in individuals affected with Progressive Pseudorheumatoid Dysplasia and no experimental evidence demonstrating its impact on protein function have been reported. ClinVar contains an entry for this variant (Variation ID: 2077551). Based on the evidence outlined above, the variant was classified as uncertain significance.

Labcorp Genetics (formerly Invitae), Labcorp
Classification: Uncertain significance. Last evaluated: 2022-09-19. Review status: criteria provided, single submitter. Criteria: Invitae Variant Classification Sherloc (09022015). Collection method: clinical testing. Allele origin: germline.
Comment: This sequence change replaces arginine, which is basic and polar, with glycine, which is neutral and non-polar, at codon 199 of the WISP3 protein (p.Arg199Gly). This variant is present in population databases (rs782030270, gnomAD 0.04%). This variant has not been reported in the literature in individuals affected with WISP3-related conditions. Advanced modeling of protein sequence and biophysical properties (such as structural, functional, and spatial information, amino acid conservation, physicochemical variation, residue mobility, and thermodynamic stability) performed at Invitae indicates that this missense variant is not expected to disrupt WISP3 protein function. In summary, the available evidence is currently insufficient to determine the role of this variant in disease. Therefore, it has been classified as a Variant of Uncertain Significance.